The following is an entry in ClinVar:

ClinVar aggregate classification (germline): Uncertain significance (1 of 4 stars; one submission).

gnomAD v4.1: 2 of 1,614,040 alleles (0.00012%); highest among the groups gnomAD compares: Non-Finnish European, 0.00017%; no homozygotes.

Submission:

Labcorp Genetics (formerly Invitae), Labcorp
Classification: Uncertain significance. Last evaluated: 2022-07-23. Review status: criteria provided, single submitter. Criteria: Invitae Variant Classification Sherloc (09022015). Collection method: clinical testing. Allele origin: germline.
Comment: In summary, the available evidence is currently insufficient to determine the role of this variant in disease. Therefore, it has been classified as a Variant of Uncertain Significance. Algorithms developed to predict the effect of missense changes on protein structure and function (SIFT, PolyPhen-2, Align-GVGD) all suggest that this variant is likely to be disruptive. This variant has not been reported in the literature in individuals affected with ITGAM-related conditions. This variant is not present in population databases (gnomAD no frequency). This sequence change replaces aspartic acid, which is acidic and polar, with glutamic acid, which is acidic and polar, at codon 592 of the ITGAM protein (p.Asp592Glu).

NM_000632.4(ITGAM):c.1776C>A (p.Asp592Glu)

Gene: ITGAM (integrin subunit alpha M; plus strand). Cytogenetic location: 16p11.2.
Variant type: single nucleotide variant.
Coding change: c.1776C>A on transcript NM_000632.4 (MANE Select); coding-DNA position 1776, C replaced by A.
Protein change: p.Asp592Glu; replaces aspartic acid 592 with glutamic acid.
Molecular consequence: missense variant.
Genome position (GRCh38, 1-based): chr16:31,321,309, C>A. VCF-style: chr16-31321309-C-A. GRCh37 (hg19) VCF-style: chr16-31332630-C-A.
Other names: c.1779C>A, p.Asp593Glu (NM_001145808.2); short protein forms D592E, D593E.
Identifiers: ClinVar variation 2015195 (VCV002015195.4), dbSNP rs779418225, ClinGen allele CA395680855.